The following is an entry in ClinVar:

ClinVar aggregate classification (germline): Uncertain significance (1 of 4 stars; one submission).

Conditions:
Progressive myoclonic epilepsy type 7. Identifiers: Orphanet 435438, MedGen C4015420, MONDO:0014521, OMIM 616187.

Submission:

Labcorp Genetics (formerly Invitae), Labcorp
Classification: Uncertain significance for Progressive myoclonic epilepsy type 7. Last evaluated: 2023-10-22. Review status: criteria provided, single submitter. Criteria: Invitae Variant Classification Sherloc (09022015). Collection method: clinical testing. Allele origin: germline.
Comment: This sequence change replaces alanine, which is neutral and non-polar, with serine, which is neutral and polar, at codon 366 of the KCNC1 protein (p.Ala366Ser). This variant is not present in population databases (gnomAD no frequency). This variant has not been reported in the literature in individuals affected with KCNC1-related conditions. Advanced modeling of protein sequence and biophysical properties (such as structural, functional, and spatial information, amino acid conservation, physicochemical variation, residue mobility, and thermodynamic stability) performed at Invitae indicates that this missense variant is not expected to disrupt KCNC1 protein function. In summary, the available evidence is currently insufficient to determine the role of this variant in disease. Therefore, it has been classified as a Variant of Uncertain Significance.

NM_001112741.2(KCNC1):c.1096G>T (p.Ala366Ser)

Gene: KCNC1 (potassium voltage-gated channel subfamily C member 1; plus strand). Cytogenetic location: 11p15.1.
Variant type: single nucleotide variant.
Coding change: c.1096G>T on transcript NM_001112741.2 (MANE Select); coding-DNA position 1096, G replaced by T.
Protein change: p.Ala366Ser; replaces alanine 366 with serine.
Molecular consequence: missense variant.
Genome position (GRCh38, 1-based): chr11:17,772,190, G>T. VCF-style: chr11-17772190-G-T. GRCh37 (hg19) VCF-style: chr11-17793737-G-T.
Other names: c.1096G>T, p.Ala366Ser (NM_004976.4); short protein forms A366S.
Identifiers: ClinVar variation 2770955 (VCV002770955.3), dbSNP rs1565162777, ClinGen allele CA379808132.